The following is an entry in ClinVar:

NM_025074.7(FRAS1):c.10299C>A (p.Asn3433Lys)

Gene: FRAS1 (Fraser extracellular matrix complex subunit 1; plus strand). Cytogenetic location: 4q21.21.
Variant type: single nucleotide variant.
Coding change: c.10299C>A on transcript NM_025074.7 (MANE Select); coding-DNA position 10299, C replaced by A.
Protein change: p.Asn3433Lys; replaces asparagine 3433 with lysine.
Molecular consequence: missense variant.
Genome position (GRCh38, 1-based): chr4:78,515,923, C>A. VCF-style: chr4-78515923-C-A. GRCh37 (hg19) VCF-style: chr4-79437077-C-A.
Other names: short protein forms N3433K.
Identifiers: ClinVar variation 904269 (VCV000904269.9), dbSNP rs377102088, ClinGen allele CA2978916.

ClinVar aggregate classification (germline): Uncertain significance. Review status: criteria provided, multiple submitters, no conflicts (2 of 4 stars). 4 submissions from 4 submitters: Uncertain significance (4). Last evaluated 2025-08-27.

Conditions:
Fraser syndrome 1 (FRASRS1). Also called: CRYPTOPHTHALMOS WITH OTHER MALFORMATIONS. Identifiers: Orphanet 2052, MedGen C4551480, MONDO:0054737, OMIM 219000.

Allele frequency attached by ClinVar (database versions not stated): TOPMed 0.00004.
gnomAD v4.1: 14 of 1,613,992 alleles (0.00087%); highest among the groups gnomAD compares: Middle Eastern, 0.049%; no homozygotes.

Submissions (4):

Dasa
Classification: Uncertain significance for Fraser syndrome 1. Last evaluated: 2025-08-27. Review status: criteria provided, single submitter. Criteria: DASA Assertion Criteria. Collection method: clinical testing. Allele origin: germline.
Comment: NM_025074.7(FRAS1):c.10299C>A (p.Asn3433Lys) is a missense variant that results in the substitution of asparagine with lysine. This variant is absent from population databases. The currently available literature and clinical evidence are not sufficient to establish a definitive association between this variant and the reported condition. Therefore, this variant is classified as a variant of uncertain significance.

Labcorp Genetics (formerly Invitae), Labcorp
Classification: Uncertain significance. Last evaluated: 2024-10-07. Review status: criteria provided, single submitter. Criteria: Invitae Variant Classification Sherloc (09022015). Collection method: clinical testing. Allele origin: germline.
Comment: This sequence change replaces asparagine, which is neutral and polar, with lysine, which is basic and polar, at codon 3433 of the FRAS1 protein (p.Asn3433Lys). This variant is present in population databases (rs377102088, gnomAD 0.002%). This variant has not been reported in the literature in individuals affected with FRAS1-related conditions. ClinVar contains an entry for this variant (Variation ID: 904269). Invitae Evidence Modeling of protein sequence and biophysical properties (such as structural, functional, and spatial information, amino acid conservation, physicochemical variation, residue mobility, and thermodynamic stability) indicates that this missense variant is expected to disrupt FRAS1 protein function with a positive predictive value of 80%. In summary, the available evidence is currently insufficient to determine the role of this variant in disease. Therefore, it has been classified as a Variant of Uncertain Significance.

Fulgent Genetics
Classification: Uncertain significance for Fraser syndrome 1. Last evaluated: 2022-01-19. Review status: criteria provided, single submitter. Criteria: ACMG Guidelines, 2015. Collection method: clinical testing. Allele origin: unknown.

Illumina Laboratory Services, Illumina
Classification: Uncertain significance for Fraser syndrome 1. Last evaluated: 2018-01-15. Review status: criteria provided, single submitter. Criteria: ICSL Variant Classification Criteria 13 December 2019. Collection method: clinical testing. Allele origin: germline.